The following is an entry in ClinVar:

ClinVar aggregate classification (germline): Benign/Likely benign. Review status: criteria provided, multiple submitters, no conflicts (2 of 4 stars). 28 submissions from 28 submitters: Benign (14); Likely benign (6). 8 of the submissions do not count toward it. Last evaluated 2026-08-01.

Conditions:
APC-Associated Polyposis Disorders.
Hereditary cancer-predisposing syndrome. Also called: Neoplastic Syndromes, Hereditary; Tumor predisposition; Hereditary Cancer Syndrome; Hereditary neoplastic syndrome. Identifiers: Orphanet 140162, MedGen C0027672, MeSH D009386, MONDO:0015356.
Familial multiple polyposis syndrome (FAP). Also called: Familial polyposis; Familial adenomatous polyposis; Familial intestinal polyposis; Familial Adenomatous Polyposis (FAP); Classic familial adenomatous polyposis. Identifiers: Orphanet 733, MedGen C0032580, MONDO:0021055. Disease mechanism: loss of function.
Familial adenomatous polyposis 1 (FAP1). Also called: POLYPOSIS, ADENOMATOUS INTESTINAL; FAMILIAL ADENOMATOUS POLYPOSIS 1, ATTENUATED. Identifiers: MedGen C2713442, MONDO:0021056, OMIM 175100. Disease mechanism: loss of function.
Carcinoma of colon (CRC). Also called: Colon carcinoma; Colonic carcinoma. Identifiers: MedGen C0699790, MONDO:0002032.

Allele frequency attached by ClinVar (database versions not stated): gnomAD 0.00858 and 0.00917; TOPMed 0.00988; ESP Exome Variant Server 0.01107; 1000 Genomes Project 0.01218; gnomAD exomes 0.00087 and 0.00210; 1000 Genomes Project 30x 0.01249; ExAC 0.00271.
gnomAD v4.1: 2,634 of 1,614,126 alleles (0.16%); highest among the groups gnomAD compares: African/African-American, 3.2%; 50 homozygotes.

Submissions (28):

CeGaT Center for Human Genetics Tuebingen
Classification: Benign. Last evaluated: 2026-08-01. Review status: criteria provided, single submitter. Criteria: CeGaT Center For Human Genetics Tuebingen Variant Classification Criteria Version 2. Collection method: clinical testing. Allele origin: germline. Affected: yes. Observed: 13 variant alleles.
Comment: APC: BP4, BS1, BS2

Labcorp Genetics (formerly Invitae), Labcorp
Classification: Benign for Familial adenomatous polyposis 1. Last evaluated: 2026-02-04. Review status: criteria provided, single submitter. Criteria: Invitae Variant Classification Sherloc (09022015). Collection method: clinical testing. Allele origin: germline.

Center for Genomic Medicine, Rigshospitalet, Copenhagen University Hospital
Classification: Benign. Last evaluated: 2025-03-04. Review status: criteria provided, single submitter. Criteria: ACMG Guidelines, 2015. Collection method: clinical testing. Allele origin: germline.

ARUP Laboratories, Molecular Genetics and Genomics, ARUP Laboratories
Classification: Benign. Last evaluated: 2024-12-26. Review status: criteria provided, single submitter. Criteria: ARUP Molecular Germline Variant Investigation Process 2024. Collection method: clinical testing. Allele origin: germline.

Blueprint Genetics
Classification: Likely benign. Last evaluated: 2024-11-26. Review status: criteria provided, single submitter. Criteria: ACMG Guidelines, 2015. Collection method: clinical testing. Allele origin: germline.

Mayo Clinic Laboratories, Mayo Clinic
Classification: Benign. Last evaluated: 2024-05-01. Review status: criteria provided, single submitter. Criteria: ACMG Guidelines, 2015. Collection method: clinical testing. Allele origin: germline. Observed: 11 variant alleles.
Comment: BA1, BS2, BP1

Myriad Genetics, Inc.
Classification: Benign for Familial adenomatous polyposis 1. Last evaluated: 2024-03-15. Review status: criteria provided, single submitter. Criteria: Myriad Autosomal Dominant, Autosomal Recessive and X-Linked Classification Criteria (2023). Collection method: clinical testing. Allele origin: unknown.
Comment: This variant is considered benign. This variant has been observed at a population frequency that is significantly greater than expected given the associated disease prevalence and penetrance.

Institute for Biomarker Research, Medical Diagnostic Laboratories, L.L.C.
Classification: Benign for Hereditary cancer-predisposing syndrome. Last evaluated: 2023-11-06. Review status: criteria provided, single submitter. Criteria: ACMG Guidelines, 2015. Collection method: clinical testing. Allele origin: germline.

KCCC/NGS Laboratory, Kuwait Cancer Control Center
Classification: Benign for Familial adenomatous polyposis 1. Last evaluated: 2023-07-07. Review status: criteria provided, single submitter. Criteria: ACMG Guidelines, 2015. Collection method: clinical testing. Allele origin: germline. Affected: yes.

Sema4
Classification: Benign for Hereditary cancer-predisposing syndrome. Last evaluated: 2020-07-31. Review status: criteria provided, single submitter. Criteria: Sema4 Curation Guidelines. Collection method: curation. Allele origin: germline.

Illumina Laboratory Services, Illumina
Classification: Likely benign for APC-Associated Polyposis Disorders. Last evaluated: 2018-02-16. Review status: criteria provided, single submitter. Criteria: ICSL Variant Classification Criteria 13 December 2019. Collection method: clinical testing. Allele origin: germline.
Comment: This variant was observed as part of a predisposition screen in an ostensibly healthy population. A literature search was performed for the gene, cDNA change, and amino acid change (where applicable). Publications were found based on this search. The evidence from the literature, in combination with allele frequency data from public databases where available, was sufficient to determine this variant is unlikely to cause disease. Therefore, this variant is classified as likely benign.

Center for Pediatric Genomic Medicine, Children's Mercy Hospital and Clinics
Classification: Likely benign. Last evaluated: 2017-05-22. Review status: criteria provided, single submitter. Criteria: ACMG Guidelines, 2015. Collection method: clinical testing. Allele origin: germline.

PreventionGenetics, part of Exact Sciences
Classification: Benign. Last evaluated: 2016-11-09. Review status: criteria provided, single submitter. Criteria: ACMG Guidelines, 2015. Collection method: clinical testing. Allele origin: germline.

Center for Human Genetics, Inc
Classification: Likely benign for Familial multiple polyposis syndrome. Last evaluated: 2016-11-01. Review status: criteria provided, single submitter. Criteria: ACMG Guidelines, 2015. Collection method: clinical testing. Allele origin: germline. Affected: yes.

Color Diagnostics, LLC DBA Color Health
Classification: Benign for Hereditary cancer-predisposing syndrome. Last evaluated: 2015-03-19. Review status: criteria provided, single submitter. Criteria: ACMG Guidelines, 2015. Collection method: clinical testing. Allele origin: germline.

Ambry Genetics
Classification: Benign for Hereditary cancer-predisposing syndrome. Last evaluated: 2014-11-19. Review status: criteria provided, single submitter. Criteria: Ambry Variant Classification Scheme 2023. Collection method: clinical testing. Allele origin: germline.

GeneDx
Classification: Benign. Last evaluated: 2013-12-31. Review status: criteria provided, single submitter. Criteria: GeneDx Variant Classification (06012015). Collection method: clinical testing. Allele origin: germline. Affected: yes.
Comment: This variant is considered likely benign or benign based on one or more of the following criteria: it is a conservative change, it occurs at a poorly conserved position in the protein, it is predicted to be benign by multiple in silico algorithms, and/or has population frequency not consistent with disease.

Eurofins Ntd Llc (ga)
Classification: Benign. Last evaluated: 2013-10-01. Review status: criteria provided, single submitter. Criteria: EGL Classification Definitions 2015. Collection method: clinical testing. Allele origin: germline. Observed: 1 variant allele, 1 heterozygote.

Laboratory for Molecular Medicine, Mass General Brigham Personalized Medicine
Classification: Likely benign. Last evaluated: 2011-03-29. Review status: criteria provided, single submitter. Criteria: LMM Criteria. Collection method: clinical testing. Allele origin: germline. Observed: 1 variant allele.
Comment: Pro870Ser in exon 15 of APC: The Pro870Ser variant has been reported in the lite rature in two individuals with multiple sporadic colorectal adenomas and was abs ent from 1938 age, sex, and race-matched control chromosomes (Azzopardi 2008). T his variant has been reported in dbSNP with a frequency of about 2% (rs 33974176 ). Proline (Pro) at amino acid position 870 is not highly conserved in mammals o r lower species, with mouse carrying an alanine and both chicken and frog carryi ng a serine (this variant). Collectively this data suggests a more likely benign role for this variant.

Breakthrough Genomics
Classification: Likely benign. Review status: criteria provided, single submitter. Criteria: ACMG Guidelines, 2015. Collection method: not provided. Allele origin: germline. Inheritance: Autosomal dominant inheritance. Affected: yes.

True Health Diagnostics
Classification: Likely benign for Hereditary cancer-predisposing syndrome. Last evaluated: 2018-01-12. Review status: no assertion criteria provided. Collection method: clinical testing. Allele origin: germline. Not counted in ClinVar's aggregate classification.

Counsyl
Classification: Benign for Familial adenomatous polyposis 1. Last evaluated: 2016-03-28. Review status: no assertion criteria provided. Collection method: clinical testing. Allele origin: unknown. Not counted in ClinVar's aggregate classification.

ITMI
No classification provided. Condition: AllHighlyPenetrant. Last evaluated: 2013-09-19. Review status: no classification provided. Collection method: reference population. Allele origin: germline. Not counted in ClinVar's aggregate classification.
Comment: Please see associated publication for description of ethnicities

Biesecker Lab/Clinical Genomics Section, National Institutes of Health
Classification: Benign. Last evaluated: 2012-07-13. Review status: no assertion criteria provided. Collection method: research. Allele origin: germline. Affected: no. Observed: 1 variant allele. Study: ClinSeq. Not counted in ClinVar's aggregate classification.
ClinVar note: Converted during submission from no known pathogenicity to Benign.

Clinical Genetics DNA and cytogenetics Diagnostics Lab, Erasmus MC, Erasmus Medical Center
Classification: Benign. Review status: no assertion criteria provided. Collection method: clinical testing. Allele origin: germline. Affected: yes. Study: VKGL Data-share Consensus. Not counted in ClinVar's aggregate classification.

Department of Pathology and Laboratory Medicine, Sinai Health System
Classification: Benign for Carcinoma of colon. Review status: no assertion criteria provided. Collection method: clinical testing. Allele origin: unknown. Affected: yes. Observed: 1 variant allele. Study: The Canadian Open Genetics Repository (COGR). Not counted in ClinVar's aggregate classification.
Comment: The APC p.Pro870Ser variant was identified by Azzopardi (2008) in 2 of 1382 proband chromosomes from individuals with colorectal adenomas and was absent in the 1938 control chromosomes evaluated from this study. The variant was also identified in the HGMD and LOVD databases, and in dbSNP (ID: rs33974176) with an average heterozygosity of 0.024+/-0.106. This variant occurs at a frequency of greater than 1% in some populations of origin, including the 1000 Genomes Project (1.2%) and NHLBI Exome Sequencing Project (3.2% in African American alleles), and is therefore classified as a polymorphism. The p.Pro870 residue is not conserved across mammals and computational analyses (PolyPhen-2, SIFT, AlignGVGD) do not suggest a high likelihood of impact of the variant to the protein. In summary, based on the above information, this variant meets our laboratory's criteria to be classified as benign.

Genome Diagnostics Laboratory, Amsterdam University Medical Center
Classification: Benign. Review status: no assertion criteria provided. Collection method: clinical testing. Allele origin: germline. Affected: yes. Study: VKGL Data-share Consensus. Not counted in ClinVar's aggregate classification.

Laboratory of Diagnostic Genome Analysis, Leiden University Medical Center (LUMC)
Classification: Benign. Review status: no assertion criteria provided. Collection method: clinical testing. Allele origin: germline. Affected: yes. Study: VKGL Data-share Consensus. Not counted in ClinVar's aggregate classification.

Literature cited by the submitters: PubMed 21153778 (cited by Illumina Laboratory Services, Illumina); PubMed 18199528 (cited by Illumina Laboratory Services, Illumina and Counsyl); PubMed 14729851 (cited by Illumina Laboratory Services, Illumina); PubMed 22995991 (cited by Counsyl); PubMed 24728327 (cited by ITMI).

NM_000038.6(APC):c.2608C>T (p.Pro870Ser)

Gene: APC (APC regulator of Wnt signaling pathway; plus strand). Cytogenetic location: 5q22.2.
Variant type: single nucleotide variant.
Coding change: c.2608C>T on transcript NM_000038.6 (MANE Select); coding-DNA position 2608, C replaced by T.
Protein change: p.Pro870Ser; replaces proline 870 with serine.
Molecular consequence: missense variant.
Genome position (GRCh38, 1-based): chr5:112,838,202, C>T. VCF-style: chr5-112838202-C-T. GRCh37 (hg19) VCF-style: chr5-112173899-C-T.
Other names: p.P870S:CCA>TCA; c.2608C>T, p.Pro870Ser (NM_001127510.3, NM_001354895.2); c.2554C>T, p.Pro852Ser (NM_001127511.3); c.2662C>T, p.Pro888Ser (NM_001354896.2); c.2638C>T, p.Pro880Ser (NM_001354897.2); c.2533C>T, p.Pro845Ser (NM_001354898.2); c.2524C>T, p.Pro842Ser (NM_001354899.2); c.2485C>T, p.Pro829Ser (NM_001354900.2); and 6 more; short protein forms P870S, P852S, P710S, P744S, P769S, P811S, P880S, P587S.
Identifiers: ClinVar variation 41500 (VCV000041500.72), dbSNP rs33974176, ClinGen allele CA007661.